The following is an entry in ClinVar:

ClinVar aggregate classification (germline): Uncertain significance (1 of 4 stars; one submission).

Allele frequency attached by ClinVar (database versions not stated): gnomAD 0.00001; gnomAD exomes 0.00001; TOPMed 0.00001.
gnomAD v4.1: 13 of 1,613,858 alleles (0.00081%); highest among the groups gnomAD compares: Admixed American, 0.0017%; no homozygotes.

Submission:

Labcorp Genetics (formerly Invitae), Labcorp
Classification: Uncertain significance. Last evaluated: 2022-11-01. Review status: criteria provided, single submitter. Criteria: Invitae Variant Classification Sherloc (09022015). Collection method: clinical testing. Allele origin: germline.
Comment: This variant has not been reported in the literature in individuals affected with LAMA1-related conditions. This sequence change falls in intron 58 of the LAMA1 gene. It does not directly change the encoded amino acid sequence of the LAMA1 protein. It affects a nucleotide within the consensus splice site. This variant is present in population databases (no rsID available, gnomAD 0.002%). Variants that disrupt the consensus splice site are a relatively common cause of aberrant splicing (PMID: 17576681, 9536098). Algorithms developed to predict the effect of sequence changes on RNA splicing suggest that this variant may disrupt the consensus splice site. In summary, the available evidence is currently insufficient to determine the role of this variant in disease. Therefore, it has been classified as a Variant of Uncertain Significance.

Literature cited by the submitters: PubMed 17576681; PubMed 9536098.

NM_005559.4(LAMA1):c.8397+3A>G

Gene: LAMA1 (laminin subunit alpha 1; minus strand). Cytogenetic location: 18p11.31.
Variant type: single nucleotide variant.
Coding change: c.8397+3A>G on transcript NM_005559.4 (MANE Select); 3 bases into the intron after coding-DNA position 8397, A replaced by G.
Molecular consequence: intron variant.
Genome position (GRCh38, 1-based): chr18:6,950,779, T>C on the plus strand (A>G on the coding strand, the complement: LAMA1 is on the minus strand). VCF-style: chr18-6950779-T-C. GRCh37 (hg19) VCF-style: chr18-6950778-T-C.
Identifiers: ClinVar variation 1914539 (VCV001914539.5), dbSNP rs1172655961, ClinGen allele CA628484285.